The following is an entry in ClinVar:

ClinVar aggregate classification (germline): Likely pathogenic (1 of 4 stars; one submission).

Conditions:
Glycine encephalopathy. Also called: Non-ketotic hyperglycinemia; Nonketotic hyperglycinemia. Identifiers: Orphanet 407, MedGen C0751748, MONDO:0011612, HP:0008288.

Submission:

Labcorp Genetics (formerly Invitae), Labcorp
Classification: Likely pathogenic for Glycine encephalopathy. Last evaluated: 2022-05-03. Review status: criteria provided, single submitter. Criteria: Invitae Variant Classification Sherloc (09022015). Collection method: clinical testing. Allele origin: germline.
Comment: In summary, the currently available evidence indicates that the variant is pathogenic, but additional data are needed to prove that conclusively. Therefore, this variant has been classified as Likely Pathogenic. Algorithms developed to predict the effect of sequence changes on RNA splicing suggest that this variant may disrupt the consensus splice site. This variant has not been reported in the literature in individuals affected with AMT-related conditions. This variant is not present in population databases (gnomAD no frequency). This sequence change affects a donor splice site in intron 1 of the AMT gene. It is expected to disrupt RNA splicing. Variants that disrupt the donor or acceptor splice site typically lead to a loss of protein function (PMID: 16199547), and loss-of-function variants in AMT are known to be pathogenic (PMID: 16450403).

Literature cited by the submitters: PubMed 16199547; PubMed 16450403.

NM_000481.4(AMT):c.90+1G>T

Genes: AMT (aminomethyltransferase; minus strand), NICN1 (nicolin 1, tubulin polyglutamylase complex subunit; minus strand). Cytogenetic location: 3p21.31.
Variant type: single nucleotide variant.
Coding change: c.90+1G>T on transcript NM_000481.4 (MANE Select); the canonical splice donor site of the intron after coding-DNA position 90, G replaced by T.
Molecular consequence: splice donor variant. On other transcripts: 3 prime UTR variant (1).
Genome position (GRCh38, 1-based): chr3:49,422,360, C>A on the plus strand (G>T on the coding strand, the complement: AMT is on the minus strand). VCF-style: chr3-49422360-C-A. GRCh37 (hg19) VCF-style: chr3-49459793-C-A.
Other names: c.*2473G>T (NM_032316.3); c.90+1G>T (NM_001164711.2, NM_001164710.2, NM_001164712.2).
Identifiers: ClinVar variation 2132636 (VCV002132636.4), dbSNP rs2471161813, ClinGen allele CA352791366.